The following is an entry in ClinVar:

NM_178857.6(RP1L1):c.481G>A (p.Asp161Asn)

Gene: RP1L1 (RP1 like 1). Cytogenetic location: 8p23.1.
Variant type: single nucleotide variant.
Coding change: c.481G>A on transcript NM_178857.6 (MANE Select); coding-DNA position 481, G replaced by A.
Protein change: p.Asp161Asn; replaces aspartic acid 161 with asparagine.
Molecular consequence: missense variant.
Genome position (GRCh38, 1-based): chr8:10,622,721, C>T on the plus strand (G>A on the coding strand, the complement: RP1L1 is on the minus strand). VCF-style: chr8-10622721-C-T. GRCh37 (hg19) VCF-style: chr8-10480231-C-T.
Other names: short protein forms D161N.
Identifiers: ClinVar variation 4798362 (VCV004798362.1).

ClinVar aggregate classification (germline): Uncertain significance (1 of 4 stars; one submission).

gnomAD v4.1: 1 of 1,614,150 alleles (0.000062%); highest among the groups gnomAD compares: South Asian, 0.0011%; no homozygotes.

Submission:

Labcorp Genetics (formerly Invitae), Labcorp
Classification: Uncertain significance. Last evaluated: 2025-10-02. Review status: criteria provided, single submitter. Criteria: Invitae Variant Classification Sherloc (09022015). Collection method: clinical testing. Allele origin: germline.
Comment: This sequence change replaces aspartic acid, which is acidic and polar, with asparagine, which is neutral and polar, at codon 161 of the RP1L1 protein (p.Asp161Asn). This variant is not present in population databases (gnomAD no frequency). This variant has not been reported in the literature in individuals affected with RP1L1-related conditions. Invitae Evidence Modeling of protein sequence and biophysical properties (such as structural, functional, and spatial information, amino acid conservation, physicochemical variation, residue mobility, and thermodynamic stability) indicates that this missense variant is not expected to disrupt RP1L1 protein function with a negative predictive value of 80%. In summary, the available evidence is currently insufficient to determine the role of this variant in disease. Therefore, it has been classified as a Variant of Uncertain Significance.